The following is an entry in ClinVar:

NM_000465.4(BARD1):c.1569-12T>C

Gene: BARD1 (BRCA1 associated RING domain 1; minus strand). Cytogenetic location: 2q35.
Variant type: single nucleotide variant.
Coding change: c.1569-12T>C on transcript NM_000465.4 (MANE Select); 12 bases into the intron before coding-DNA position 1569, T replaced by C.
Molecular consequence: intron variant.
Genome position (GRCh38, 1-based): chr2:214,752,567, A>G on the plus strand (T>C on the coding strand, the complement: BARD1 is on the minus strand). VCF-style: chr2-214752567-A-G. GRCh37 (hg19) VCF-style: chr2-215617291-A-G.
Other names: c.159-12T>C (NM_001282548.2); c.1512-12T>C (NM_001282543.2); c.216-12T>C (NM_001282545.2); c.365-22059T>C (NM_001282549.2).
Identifiers: ClinVar variation 1579873 (VCV001579873.10), dbSNP rs879254246, ClinGen allele CA2573135114.
Genomic context (GRCh38, chr2:214,752,567, plus strand): 5'-CATACTTTCATCATCTGTATAATCGACAGGCCGCAGACCAAATATATTACTGGTAAAATA[A>G]GTGCAGATGTGTTTAAGTAAGTCAAATGTGTGACTCGACTCAATTTTTCAACATCCTTAA-3'

ClinVar aggregate classification (germline): Likely benign. Review status: criteria provided, multiple submitters, no conflicts (2 of 4 stars). 2 submissions from 2 submitters: Likely benign (2). Last evaluated 2024-07-25.

Conditions:
Familial cancer of breast. Also called: BREAST CANCER, FAMILIAL; hereditary breast carcinoma; Hereditary breast cancer. Identifiers: Orphanet 227535, MedGen C0346153, MONDO:0016419, OMIM 114480. Disease mechanism: loss of function.

Submissions (2):

Myriad Genetics, Inc.
Classification: Likely benign for Familial cancer of breast. Last evaluated: 2024-07-25. Review status: criteria provided, single submitter. Criteria: Myriad Autosomal Dominant, Autosomal Recessive and X-Linked Classification Criteria (2023). Collection method: clinical testing. Allele origin: unknown.
Comment: This variant is considered likely benign. This variant is intronic and is not expected to impact mRNA splicing.

Labcorp Genetics (formerly Invitae), Labcorp
Classification: Likely benign for Familial cancer of breast. Last evaluated: 2023-12-07. Review status: criteria provided, single submitter. Criteria: Invitae Variant Classification Sherloc (09022015). Collection method: clinical testing. Allele origin: germline.